The following is an entry in ClinVar:

ClinVar aggregate classification (germline): Uncertain significance. Review status: criteria provided, multiple submitters, no conflicts (2 of 4 stars). 2 submissions from 2 submitters: Uncertain significance (2). Last evaluated 2025-10-22.

Conditions:
Cardiovascular phenotype. Identifiers: MedGen CN230736.
Long QT syndrome (LQTS). Identifiers: MedGen C0023976, MeSH D008133, MONDO:0002442. Disease mechanism: loss of function. Inheritance: Various modes of inheritance.

Submissions (2):

Ambry Genetics
Classification: Uncertain significance for Cardiovascular phenotype. Last evaluated: 2025-10-22. Review status: criteria provided, single submitter. Criteria: Ambry Variant Classification Scheme 2023. Collection method: clinical testing. Allele origin: germline.

Labcorp Genetics (formerly Invitae), Labcorp
Classification: Uncertain significance for Long QT syndrome. Last evaluated: 2024-04-09. Review status: criteria provided, single submitter. Criteria: Invitae Variant Classification Sherloc (09022015). Collection method: clinical testing. Allele origin: germline.
Comment: This sequence change replaces glutamic acid, which is acidic and polar, with aspartic acid, which is acidic and polar, at codon 606 of the AKAP9 protein (p.Glu606Asp). This variant is present in population databases (no rsID available, gnomAD 0.06%). This variant has not been reported in the literature in individuals affected with AKAP9-related conditions. An algorithm developed to predict the effect of missense changes on protein structure and function (PolyPhen-2) suggests that this variant is likely to be disruptive. In summary, the available evidence is currently insufficient to determine the role of this variant in disease. Therefore, it has been classified as a Variant of Uncertain Significance.

NM_005751.5(AKAP9):c.1818A>T (p.Glu606Asp)

Gene: AKAP9 (A-kinase anchoring protein 9; plus strand). Cytogenetic location: 7q21.2.
Variant type: single nucleotide variant.
Coding change: c.1818A>T on transcript NM_005751.5 (MANE Select); coding-DNA position 1818, A replaced by T.
Protein change: p.Glu606Asp; replaces glutamic acid 606 with aspartic acid.
Molecular consequence: missense variant.
Genome position (GRCh38, 1-based): chr7:92,001,735, A>T. VCF-style: chr7-92001735-A-T. GRCh37 (hg19) VCF-style: chr7-91631049-A-T.
Other names: c.1818A>T, p.Glu606Asp (NM_147185.3); short protein forms E606D.
Identifiers: ClinVar variation 3716306 (VCV003716306.3).